The following is an entry in ClinVar:

NM_000218.3(KCNQ1):c.287C>G (p.Thr96Arg)

Gene: KCNQ1 (potassium voltage-gated channel subfamily Q member 1; plus strand). Cytogenetic location: 11p15.5.
Variant type: single nucleotide variant.
Coding change: c.287C>G on transcript NM_000218.3 (MANE Select); coding-DNA position 287, C replaced by G.
Protein change: p.Thr96Arg; replaces threonine 96 with arginine.
Molecular consequence: missense variant.
Genome position (GRCh38, 1-based): chr11:2,445,385, C>G. VCF-style: chr11-2445385-C-G. GRCh37 (hg19) VCF-style: chr11-2466615-C-G.
Other names: short protein forms T96R.
Identifiers: ClinVar variation 983021 (VCV000983021.26), dbSNP rs1337409061, ClinGen allele CA379117270.

ClinVar aggregate classification (germline): Conflicting classifications of pathogenicity. Review status: criteria provided, conflicting classifications (1 of 4 stars). 6 submissions from 6 submitters: Likely pathogenic (1); Uncertain significance (4); Likely benign (1). Last evaluated 2026-08-01.

Conditions:
Long QT syndrome 1 (LQT1). Identifiers: Orphanet 101016, Orphanet 768, MedGen C4551647, MONDO:0100316, OMIM 192500, MONDO:0008646.
KCNQ1-related disorder. Also called: KCNQ1-related disorders; KCNQ1-related condition. Identifiers: MedGen CN239322.
Cardiovascular phenotype. Identifiers: MedGen CN230736.
Long QT syndrome (LQTS). Identifiers: MedGen C0023976, MeSH D008133, MONDO:0002442. Disease mechanism: loss of function. Inheritance: Various modes of inheritance.

Allele frequency attached by ClinVar (database versions not stated): gnomAD exomes 0.00001 and 0.00002; TOPMed 0.00002.
gnomAD v4.1: 33 of 1,597,702 alleles (0.0021%); highest among the groups gnomAD compares: Non-Finnish European, 0.0027%; no homozygotes.

Submissions (6):

CeGaT Center for Human Genetics Tuebingen
Classification: Uncertain significance. Last evaluated: 2026-08-01. Review status: criteria provided, single submitter. Criteria: CeGaT Center For Human Genetics Tuebingen Variant Classification Criteria Version 2. Collection method: clinical testing. Allele origin: germline. Affected: yes. Observed: 3 variant alleles.
Comment: KCNQ1: PS4:Moderate, PM2:Supporting, PP3, PS3:Supporting

Ambry Genetics
Classification: Uncertain significance for Cardiovascular phenotype. Last evaluated: 2026-03-09. Review status: criteria provided, single submitter. Criteria: Ambry Variant Classification Scheme 2023. Collection method: clinical testing. Allele origin: germline.

PreventionGenetics, part of Exact Sciences
Classification: Uncertain significance for KCNQ1-related condition. Last evaluated: 2026-02-11. Review status: criteria provided, single submitter. Criteria: ACMG Guidelines, 2015. Collection method: clinical testing. Allele origin: germline.
Comment: The KCNQ1 c.287C>G variant is predicted to result in the amino acid substitution p.Thr96Arg. This variant was reported in three young individuals who suffered sudden death (Skinner et al. 2011. PubMed ID: 21070882; Lahrouchi et al. 2017. PubMed ID: 28449774; Marcondes et al. 2018. PubMed ID: 29672598). An in vitro patch-clamp assay demonstrated that this variant results in a reduction of total current of the channel (Skinner et al. 2011. PubMed ID: 21070882). This variant is reported in 0.0035% of alleles in individuals of European (Non-Finnish) descent in gnomAD. Although we suspect that this variant may be pathogenic, at this time, the clinical significance of this variant is uncertain due to the absence of conclusive functional and genetic evidence.

Labcorp Genetics (formerly Invitae), Labcorp
Classification: Uncertain significance for Long QT syndrome. Last evaluated: 2025-11-05. Review status: criteria provided, single submitter. Criteria: Invitae Variant Classification Sherloc (09022015). Collection method: clinical testing. Allele origin: germline.
Comment: This sequence change replaces threonine, which is neutral and polar, with arginine, which is basic and polar, at codon 96 of the KCNQ1 protein (p.Thr96Arg). This variant is present in population databases (no rsID available, gnomAD 0.003%). This missense change has been observed in individual(s) with long QT syndrome and/or sudden death (PMID: 21070882, 36007526). ClinVar contains an entry for this variant (Variation ID: 983021). Invitae Evidence Modeling of protein sequence and biophysical properties (such as structural, functional, and spatial information, amino acid conservation, physicochemical variation, residue mobility, and thermodynamic stability) has been performed for this missense variant. However, the output from this modeling did not meet the statistical confidence thresholds required to predict the impact of this variant on KCNQ1 protein function. Experimental studies have shown that this missense change affects KCNQ1 function (PMID: 21070882). In summary, the available evidence is currently insufficient to determine the role of this variant in disease. Therefore, it has been classified as a Variant of Uncertain Significance.

Blueprint Genetics
Classification: Likely benign. Last evaluated: 2022-08-18. Review status: criteria provided, single submitter. Criteria: ACMG Guidelines, 2015. Collection method: clinical testing. Allele origin: germline.

Institute of Human Genetics, University of Leipzig Medical Center
Classification: Likely pathogenic for Long QT syndrome 1. Last evaluated: 2019-01-01. Review status: criteria provided, single submitter. Criteria: ACMG Guidelines, 2015. Collection method: clinical testing. Allele origin: unknown. Affected: no.

Literature cited by the submitters: PubMed 21070882 (cited by Labcorp Genetics (formerly Invitae), Labcorp); PubMed 36007526 (cited by Labcorp Genetics (formerly Invitae), Labcorp).